The following is an entry in ClinVar:

ClinVar aggregate classification (germline): Uncertain significance (1 of 4 stars; one submission).

gnomAD v4.1: 4 of 1,613,988 alleles (0.00025%); highest among the groups gnomAD compares: African/African-American, 0.0013%; no homozygotes.

Submission:

Labcorp Genetics (formerly Invitae), Labcorp
Classification: Uncertain significance. Last evaluated: 2023-08-01. Review status: criteria provided, single submitter. Criteria: Invitae Variant Classification Sherloc (09022015). Collection method: clinical testing. Allele origin: germline.
Comment: In summary, the available evidence is currently insufficient to determine the role of this variant in disease. Therefore, it has been classified as a Variant of Uncertain Significance. Advanced modeling of protein sequence and biophysical properties (such as structural, functional, and spatial information, amino acid conservation, physicochemical variation, residue mobility, and thermodynamic stability) performed at Invitae indicates that this missense variant is not expected to disrupt AXL protein function. ClinVar contains an entry for this variant (Variation ID: 1920747). This variant has not been reported in the literature in individuals affected with AXL-related conditions. This variant is not present in population databases (gnomAD no frequency). This sequence change replaces valine, which is neutral and non-polar, with isoleucine, which is neutral and non-polar, at codon 60 of the AXL protein (p.Val60Ile).

NM_021913.5(AXL):c.178G>A (p.Val60Ile)

Gene: AXL (AXL receptor tyrosine kinase; plus strand). Cytogenetic location: 19q13.2.
Variant type: single nucleotide variant.
Coding change: c.178G>A on transcript NM_021913.5 (MANE Select); coding-DNA position 178, G replaced by A.
Protein change: p.Val60Ile; replaces valine 60 with isoleucine.
Molecular consequence: missense variant.
Genome position (GRCh38, 1-based): chr19:41,220,728, G>A. VCF-style: chr19-41220728-G-A. GRCh37 (hg19) VCF-style: chr19-41726633-G-A.
Other names: c.178G>A, p.Val60Ile (NM_001699.6); short protein forms V60I.
Identifiers: ClinVar variation 1920747 (VCV001920747.5), dbSNP rs144418422, ClinGen allele CA405981532.